The following is an entry in ClinVar:

NM_032043.3(BRIP1):c.3444C>A (p.Asp1148Glu)

Gene: BRIP1 (BRCA1 interacting DNA helicase 1; minus strand). Cytogenetic location: 17q23.2.
Variant type: single nucleotide variant.
Coding change: c.3444C>A on transcript NM_032043.3 (MANE Select); coding-DNA position 3444, C replaced by A.
Protein change: p.Asp1148Glu; replaces aspartic acid 1148 with glutamic acid.
Molecular consequence: missense variant.
Genome position (GRCh38, 1-based): chr17:61,683,602, G>T on the plus strand (C>A on the coding strand, the complement: BRIP1 is on the minus strand). VCF-style: chr17-61683602-G-T. GRCh37 (hg19) VCF-style: chr17-59760963-G-T.
Other names: p.D1148E:GAC>GAA; short protein forms D1148E.
Identifiers: ClinVar variation 133758 (VCV000133758.62), dbSNP rs28997573, ClinGen allele CA157710.

ClinVar aggregate classification (germline): Conflicting classifications of pathogenicity. Review status: criteria provided, conflicting classifications (1 of 4 stars). 27 submissions from 26 submitters: Uncertain significance (16); Likely benign (5). 6 of the submissions do not count toward it. Last evaluated 2026-04-20.

Conditions:
Fanconi anemia complementation group J. Also called: BRIP1-Related Fanconi Anemia. Identifiers: Orphanet 84, MedGen C1836860, MONDO:0012187, OMIM 609054.
Familial ovarian cancer. Identifiers: MedGen C5679802, MONDO:0016248.
BRIP1-related disorder. Also called: BRIP1-related condition; BRIP1-related disorders. Identifiers: MedGen CN239206.
Breast and/or ovarian cancer. Identifiers: MedGen CN221562.
Familial cancer of breast. Also called: hereditary breast carcinoma; Hereditary breast cancer; BREAST CANCER, FAMILIAL. Identifiers: Orphanet 227535, MedGen C0346153, MONDO:0016419, OMIM 114480. Disease mechanism: loss of function.
Hereditary cancer-predisposing syndrome. Also called: Neoplastic Syndromes, Hereditary; Tumor predisposition; Hereditary Cancer Syndrome; Hereditary neoplastic syndrome. Identifiers: Orphanet 140162, MedGen C0027672, MeSH D009386, MONDO:0015356.
Ovarian cancer. Also called: OVARIAN CANCER, SOMATIC. Identifiers: Orphanet 213500, MedGen C1140680, MONDO:0008170, OMIM 167000.
Hereditary breast ovarian cancer syndrome. Also called: BRCA1- and BRCA2-Associated Hereditary Breast and Ovarian Cancer; Hereditary breast and ovarian cancer; Hereditary breast and ovarian cancer syndrome; Hereditary breast and ovarian cancer syndrome (HBOC); Breast and ovarian cancer; Hereditary breast and/or ovarian cancer syndrome. Identifiers: Orphanet 145, MedGen C0677776, MeSH D061325, MONDO:0003582. Disease mechanism: loss of function.

Allele frequency attached by ClinVar (database versions not stated): ExAC 0.00009; gnomAD exomes 0.00010; gnomAD 0.00011 and 0.00012; TOPMed 0.00015; ESP Exome Variant Server 0.00023.
gnomAD v4.1: 392 of 1,611,912 alleles (0.024%); highest among the groups gnomAD compares: Non-Finnish European, 0.032%; 1 homozygote.

Submissions 1 to 10 of 27:

Women's Health and Genetics/Laboratory Corporation of America, LabCorp
Classification: Uncertain significance. Last evaluated: 2026-04-20. Review status: criteria provided, single submitter. Criteria: LabCorp Variant Classification Summary - May 2015. Collection method: clinical testing. Allele origin: germline.
Comment: Variant summary: BRIP1 c.3444C>A (p.Asp1148Glu) results in a conservative amino acid change in the encoded protein sequence. Algorithms developed to predict the effect of missense changes on protein structure and function all suggest that this variant is likely to be tolerated. The variant allele was found at a frequency of 0.0001 in 249810 control chromosomes. This frequency is not significantly higher than estimated for disease-causing variants in BRIP1, allowing no conclusion about variant significance. c.3444C>A has been reported in the literature in individuals affected with different types of cancer including breast cancer, ovarian cancer, Lynch syndrome, kidney renal clear cell carcinoma and uterine corpus endometrial carcinoma (e.g. Easton_2016, Lu_2015, Ramus_2015, Seal_2016, Tung_2015, Yurgelun_2015) but also, in controls (e.g. Easton_2016, Ramus_2015). These report(s) do not provide unequivocal conclusions about association of the variant with Hereditary Breast and Ovarian Cancer Syndrome or Fanconi Anemia Complementation Group J. To our knowledge, no experimental evidence demonstrating an impact on protein function has been reported. The following publications have been ascertained in the context of this evaluation (PMID: 26921362, 23555315, 26689913, 26315354, 17033622, 25186627, 25980754). ClinVar contains an entry for this variant (Variation ID: 133758). Based on the evidence outlined above, the variant was classified as uncertain significance.

Labcorp Genetics (formerly Invitae), Labcorp
Classification: Uncertain significance for Familial cancer of breast; Fanconi anemia complementation group J. Last evaluated: 2026-02-03. Review status: criteria provided, single submitter. Criteria: Invitae Variant Classification Sherloc (09022015). Collection method: clinical testing. Allele origin: germline.
Comment: This sequence change replaces aspartic acid, which is acidic and polar, with glutamic acid, which is acidic and polar, at codon 1148 of the BRIP1 protein (p.Asp1148Glu). This variant is present in population databases (rs28997573, gnomAD 0.02%). This missense change has been observed in individual(s) with Lynch syndrome, ovarian cancer, breast cancer, and renal clear cell carcinoma (PMID: 25186627, 25980754, 26315354, 26689913). ClinVar contains an entry for this variant (Variation ID: 133758). Invitae Evidence Modeling of protein sequence and biophysical properties (such as structural, functional, and spatial information, amino acid conservation, physicochemical variation, residue mobility, and thermodynamic stability) indicates that this missense variant is not expected to disrupt BRIP1 protein function with a negative predictive value of 95%. In summary, the available evidence is currently insufficient to determine the role of this variant in disease. Therefore, it has been classified as a Variant of Uncertain Significance.

Center for Genomic Medicine, Rigshospitalet, Copenhagen University Hospital
Classification: Uncertain significance. Last evaluated: 2025-12-29. Review status: criteria provided, single submitter. Criteria: ACMG Guidelines, 2015. Collection method: clinical testing. Allele origin: germline.
Comment: Classification criteria: BP4_Moderate

Dasa
Classification: Uncertain significance. Last evaluated: 2025-11-10. Review status: criteria provided, single submitter. Criteria: DASA Assertion Criteria. Collection method: clinical testing. Allele origin: germline.
Comment: NM_032043.3(BRIP1):c.3444C>A (p.Asp1148Glu) is a missense variant that results in the substitution of aspartic acid with glutamic acid. Multiple computational predictions suggest no deleterious effect on the gene or gene product. The variant is present at low frequency in population datasets. Based on the available data, this variant is classified as variant of uncertain significance.

PreventionGenetics, part of Exact Sciences
Classification: Uncertain significance for BRIP1-related condition. Last evaluated: 2025-10-07. Review status: criteria provided, single submitter. Criteria: ACMG Guidelines, 2015. Collection method: clinical testing. Allele origin: germline.
Comment: The BRIP1 c.3444C>A variant is predicted to result in the amino acid substitution p.Asp1148Glu. This variant has been reported in individuals with breast cancer (Supplementary Table 2, Seal et al. 2006. PubMed ID: 17033622; Supplementary Info 2, Tung et al. 2015. PubMed ID: 25186627; Supplementary Table 1, Easton et al. 2016. PubMed ID: 26921362), ovarian cancer (Supplemental Table 4, Ramus et al. 2015. PubMed ID: 26315354), renal and uterine cancer (Supplementary Data 12, Lu et al. 2015. PubMed ID: 26689913), and an individual undergoing testing for suspected Lynch syndrome (Supplemental Table 2, Yurgelun et al. 2015. PubMed ID: 25980754). Of note, this variant was also identified in unaffected control populations (Supplementary Table 1, Bodian et al. 2014. PubMed ID: 24728327; Supplementary Table 1, Easton et al. 2016. PubMed ID: 26921362). This variant is reported in 0.020% of alleles in individuals of European (Non-Finnish) descent in gnomAD and has conflicting interpretations regarding pathogenicity in ClinVar, ranging from likely benign to uncertain (Variation ID: 133758). Although we suspect this variant is more likely to be benign, at this time, the clinical significance of this variant remains uncertain due to insufficient functional and genetic evidence.

Quest Diagnostics Nichols Institute San Juan Capistrano
Classification: Likely benign. Last evaluated: 2025-08-19. Review status: criteria provided, single submitter. Criteria: Quest Diagnostics criteria. Collection method: clinical testing. Allele origin: unknown.

German Consortium for Hereditary Breast and Ovarian Cancer, University Hospital Cologne
Classification: Likely benign for Hereditary breast ovarian cancer syndrome. Last evaluated: 2025-02-21. Review status: criteria provided, single submitter. Criteria: ACMG Guidelines, 2015. Collection method: curation. Allele origin: germline.
Comment: According to the ACMG SVI adaptation criteria we chose these criteria: BP4 (supporting benign): REVEL: 0.072, BS1 (supporting benign): gnomAD (v4.1.0) Grpmax Filtering AF = 0.0002926 (~ 0.03 %) 392x het. In addition Dorling, 2021 (PMID: 33471991 & LOVD): 18/60466 cases & 22/53461 controls --> OR = 0.72 (95%CI=0.39-1.35), thus <1

Color Diagnostics, LLC DBA Color Health
Classification: Likely benign for Hereditary cancer-predisposing syndrome. Last evaluated: 2024-09-19. Review status: criteria provided, single submitter. Criteria: ACMG Guidelines, 2015. Collection method: clinical testing. Allele origin: germline.

Blueprint Genetics
Classification: Likely benign. Last evaluated: 2024-03-06. Review status: criteria provided, single submitter. Criteria: ACMG Guidelines, 2015. Collection method: clinical testing. Allele origin: germline.

GeneDx
Classification: Uncertain significance. Last evaluated: 2024-02-12. Review status: criteria provided, single submitter. Criteria: GeneDx Variant Classification Process June 2021. Collection method: clinical testing. Allele origin: germline. Affected: yes.
Comment: Observed in individuals with personal or family history of breast, ovarian and/or other cancers, but also in healthy controls (PMID: 20159562, 21127055, 17033622, 25186627, 26315354, 25980754, 26921362, 33471991, 34326862, 38136308); In silico analysis supports that this missense variant does not alter protein structure/function; This variant is associated with the following publications: (PMID: 24728327, 26689913, 25186627, 26315354, 26921362, 17033622, 25980754, 23555315, 33471991, 20159562, 21127055, 38136308, 34326862)